The following is an entry in ClinVar:

ClinVar aggregate classification (germline): Pathogenic. Review status: reviewed by expert panel (3 of 4 stars). 2 submissions from 2 submitters: Pathogenic (1). 1 of the submissions does not count toward it. Last evaluated 2016-10-18.

Conditions:
Breast-ovarian cancer, familial, susceptibility to, 1 (BROVCA1). Also called: BRCA1 Hereditary Breast and Ovarian Cancer; OVARIAN CANCER, SUSCEPTIBILITY TO. Identifiers: Orphanet 145, MedGen C2676676, MONDO:0011450, OMIM 604370. Disease mechanism: loss of function.

Submissions (3):

Evidence-based Network for the Interpretation of Germline Mutant Alleles (ENIGMA)
Classification: Pathogenic for Breast-ovarian cancer, familial, susceptibility to, 1. Last evaluated: 2016-10-18. Review status: reviewed by expert panel. Criteria: ENIGMA BRCA1/2 Classification Criteria (2015). Collection method: curation. Allele origin: germline.
Comment: Variant allele predicted to encode a truncated non-functional protein.

Consortium of Investigators of Modifiers of BRCA1/2 (CIMBA), c/o University of Cambridge
Classification: Pathogenic for Breast-ovarian cancer, familial, susceptibility to, 1. Last evaluated: 2015-10-02. Review status: criteria provided, single submitter. Criteria: CIMBA Mutation Classification guidelines May 2016. Collection method: clinical testing. Allele origin: germline. Not counted in ClinVar's aggregate classification.

Brotman Baty Institute, University of Washington
No classification provided (evidence only). Condition: Breast-ovarian cancer, familial 1. Review status: no classification provided. Collection method: in vitro. Allele origin: not applicable. Functional consequence: functionally_abnormal. Not counted in ClinVar's aggregate classification.
ClinVar note: "not provided" was previously submitted as the classification for the variant. However, the classification appeared to be based only on an observation of functional data so it was converted to no classification on 2025-07-30.

NM_007294.4(BRCA1):c.5131A>T (p.Lys1711Ter)

Gene: BRCA1 (BRCA1 DNA repair associated; minus strand). Cytogenetic location: 17q21.31.
Variant type: single nucleotide variant.
Coding change: c.5131A>T on transcript NM_007294.4 (MANE Select); coding-DNA position 5131, A replaced by T.
Protein change: p.Lys1711Ter; replaces lysine 1711 with a stop codon.
Molecular consequence: nonsense. On other transcripts: non-coding transcript variant (1).
Genome position (GRCh38, 1-based): chr17:43,063,895, T>A on the plus strand (A>T on the coding strand, the complement: BRCA1 is on the minus strand). VCF-style: chr17-43063895-T-A. GRCh37 (hg19) VCF-style: chr17-41215912-T-A.
Other names: 5250A>T; c.4918A>T, p.Lys1640Ter (NM_001407571.1, NM_001407895.1, NM_001407896.1 and 12 more transcripts); c.5197A>T, p.Lys1733Ter (NM_001407581.1, NM_001407582.1); c.5194A>T, p.Lys1732Ter (NM_001407583.1, NM_001407585.1, NM_001407587.1 and 1 more transcripts); c.5191A>T, p.Lys1731Ter (NM_001407590.1, NM_001407591.1); c.5131A>T, p.Lys1711Ter (NM_001407593.1, NM_001407594.1, NM_001407596.1 and 7 more transcripts); c.5128A>T, p.Lys1710Ter (NM_001407610.1, NM_001407611.1, NM_001407622.1 and 17 more transcripts); c.5125A>T, p.Lys1709Ter (NM_001407627.1, NM_001407628.1, NM_001407629.1 and 14 more transcripts); and 72 more; short protein forms K1711*, K1732*, K1664*, K607*, K1557*, K1598*, K1600*, K1622*.
Identifiers: ClinVar variation 266525 (VCV000266525.8), dbSNP rs886040272, ClinGen allele CA10589617.